The following is an entry in ClinVar:

NM_000257.4(MYH7):c.3597C>A (p.Ser1199Arg)

Gene: MYH7 (myosin heavy chain 7; minus strand). Cytogenetic location: 14q11.2.
Variant type: single nucleotide variant.
Coding change: c.3597C>A on transcript NM_000257.4 (MANE Select); coding-DNA position 3597, C replaced by A.
Protein change: p.Ser1199Arg; replaces serine 1199 with arginine.
Molecular consequence: missense variant.
Genome position (GRCh38, 1-based): chr14:23,419,974, G>T on the plus strand (C>A on the coding strand, the complement: MYH7 is on the minus strand). VCF-style: chr14-23419974-G-T. GRCh37 (hg19) VCF-style: chr14-23889183-G-T.
Other names: c.3597C>A, p.Ser1199Arg (NM_001407004.1); short protein forms S1199R.
Identifiers: ClinVar variation 2799089 (VCV002799089.3), dbSNP rs730880779, ClinGen allele CA389043342.

ClinVar aggregate classification (germline): Uncertain significance (1 of 4 stars; one submission).

Conditions:
Hypertrophic cardiomyopathy. Also called: HYPERTROPHIC MYOCARDIOPATHY. Identifiers: Orphanet 217569, MedGen C0007194, MeSH D002312, MONDO:0005045, HP:0001639.

Submission:

Labcorp Genetics (formerly Invitae), Labcorp
Classification: Uncertain significance for Hypertrophic cardiomyopathy. Last evaluated: 2023-11-01. Review status: criteria provided, single submitter. Criteria: Invitae Variant Classification Sherloc (09022015). Collection method: clinical testing. Allele origin: germline.
Comment: This sequence change replaces serine, which is neutral and polar, with arginine, which is basic and polar, at codon 1199 of the MYH7 protein (p.Ser1199Arg). This variant is not present in population databases (gnomAD no frequency). This missense change has been observed in individual(s) with hypertrophic cardiomyopathy (PMID: 27247418). Advanced modeling of protein sequence and biophysical properties (such as structural, functional, and spatial information, amino acid conservation, physicochemical variation, residue mobility, and thermodynamic stability) performed at Invitae indicates that this missense variant is expected to disrupt MYH7 protein function with a positive predictive value of 95%. In summary, the available evidence is currently insufficient to determine the role of this variant in disease. Therefore, it has been classified as a Variant of Uncertain Significance.

Literature cited by the submitters: PubMed 27247418.